The following is an entry in ClinVar:

ClinVar aggregate classification (germline): Uncertain significance (1 of 4 stars; one submission).

Conditions:
Cardiovascular phenotype. Identifiers: MedGen CN230736.

Submission:

Ambry Genetics
Classification: Uncertain significance for Cardiovascular phenotype. Last evaluated: 2024-10-22. Review status: criteria provided, single submitter. Criteria: Ambry Variant Classification Scheme 2023. Collection method: clinical testing. Allele origin: germline.
Comment: The p.L32V variant (also known as c.94C>G), located in coding exon 1 of the SNTA1 gene, results from a C to G substitution at nucleotide position 94. The leucine at codon 32 is replaced by valine, an amino acid with highly similar properties. This amino acid position is conserved. In addition, this alteration is predicted to be tolerated by in silico analysis. Based on the available evidence, the clinical significance of this variant remains unclear.

NM_003098.3(SNTA1):c.94C>G (p.Leu32Val)

Genes: SNTA1 (syntrophin alpha 1; minus strand), LOC130065680 (ATAC-STARR-seq lymphoblastoid silent region 12812; plus strand). Cytogenetic location: 20q11.21.
Variant type: single nucleotide variant.
Coding change: c.94C>G on transcript NM_003098.3 (MANE Select); coding-DNA position 94, C replaced by G.
Protein change: p.Leu32Val; replaces leucine 32 with valine.
Molecular consequence: missense variant.
Genome position (GRCh38, 1-based): chr20:33,443,527, G>C on the plus strand (C>G on the coding strand, the complement: SNTA1 is on the minus strand). VCF-style: chr20-33443527-G-C. GRCh37 (hg19) VCF-style: chr20-32031333-G-C.
Other names: c.94C>G, p.Leu32Val (NM_001424413.1, NM_001424414.1); short protein forms L32V.
Identifiers: ClinVar variation 3446804 (VCV003446804.1).
Genomic context (GRCh38, chr20:33,443,527, plus strand): 5'-CGGGACCAGGGTCGCCGTCGGCGGGGCTCACGGTCAGCACGTCCTCCGCCAGACTCAGCA[G>C]CACCCGCTGCCATCGCTCGCCGCCGGCCCCCGAGCCCGCCCCGGCGCGCAGCTCCAGCAG-3'
Protein context (NP_003089.1, residues 22-42): GAGGERWQRV[Leu32Val]LSLAEDVLTV